The following is an entry in ClinVar:

ClinVar aggregate classification (germline): Likely pathogenic (1 of 4 stars; one submission).

Conditions:
Fabry disease. Also called: ALPHA-GALACTOSIDASE A DEFICIENCY; ANDERSON-FABRY DISEASE; CERAMIDE TRIHEXOSIDASE DEFICIENCY; GLA DEFICIENCY; HEREDITARY DYSTOPIC LIPIDOSIS; Angiokeratoma corporis diffusum. Identifiers: Orphanet 324, MedGen C0002986, MONDO:0010526, OMIM 301500, HP:0001071. Disease mechanism: Fabry disease is due to inactivating mutations in the X-linked GLA gene resulting in deficiency of the enzyme Alpha Galactosidase-A., loss of function.

Submission:

Genomenon, Inc
Classification: Likely pathogenic for Fabry disease. Last evaluated: 2026-09-08. Review status: criteria provided, single submitter. Criteria: Genomenon Sequence Variant Interpretation Standards - Updated. Collection method: curation. Allele origin: germline. Affected: yes.
Comment: GLA p.Gly361Glu (c.1082G>A) is a missense variant that changes the amino acid at codon 361 from Glycine to Glutamic acid. This variant has been observed in at least one proband with clinical features consistent with Fabry disease (PMID:30988410). At least one functional study has demonstrated a substantial alteration in protein function relative to the wild-type (PMID:27657681). It is absent or not present at a significant frequency in gnomAD. In silico models predict that this variant is possibly or probably damaging. In conclusion, we classify GLA p.Gly361Glu (c.1082G>A) as a likely pathogenic variant.

Literature cited by the submitters: PubMed 30988410; PubMed 27657681.

NM_000169.3(GLA):c.1082G>A (p.Gly361Glu)

Genes: GLA (galactosidase alpha; minus strand), RPL36A-HNRNPH2 (RPL36A-HNRNPH2 readthrough; plus strand). Cytogenetic location: Xq22.1.
Variant type: single nucleotide variant.
Coding change: c.1082G>A on transcript NM_000169.3 (MANE Select); coding-DNA position 1082, G replaced by A.
Protein change: p.Gly361Glu; replaces glycine 361 with glutamic acid.
Molecular consequence: missense variant. On other transcripts: non-coding transcript variant (3), intron variant (2).
Genome position (GRCh38, 1-based): chrX:101,398,017, C>T on the plus strand (G>A on the coding strand, the complement: GLA is on the minus strand). VCF-style: chrX-101398017-C-T. GRCh37 (hg19) VCF-style: chrX-100653005-C-T.
Other names: c.1205G>A, p.Gly402Glu (NM_001406747.1); c.300+2560C>T (NM_001199973.2); c.177+6195C>T (NM_001199974.2); short protein forms G361E, G402E.
Identifiers: ClinVar variation 4087637 (VCV004087637.2).